The following is an entry in ClinVar:

ClinVar aggregate classification (germline): Uncertain significance (1 of 4 stars; one submission).

Allele frequency attached by ClinVar (database versions not stated): TOPMed below 0.00001.

Submission:

Labcorp Genetics (formerly Invitae), Labcorp
Classification: Uncertain significance. Last evaluated: 2022-09-01. Review status: criteria provided, single submitter. Criteria: Invitae Variant Classification Sherloc (09022015). Collection method: clinical testing. Allele origin: germline.
Comment: In summary, the available evidence is currently insufficient to determine the role of this variant in disease. Therefore, it has been classified as a Variant of Uncertain Significance. Algorithms developed to predict the effect of missense changes on protein structure and function output the following: SIFT: "Tolerated"; PolyPhen-2: "Possibly Damaging"; Align-GVGD: "Class C0". The asparagine amino acid residue is found in multiple mammalian species, which suggests that this missense change does not adversely affect protein function. ClinVar contains an entry for this variant (Variation ID: 1522535). This variant has not been reported in the literature in individuals affected with TUBGCP6-related conditions. This variant is not present in population databases (gnomAD no frequency). This sequence change replaces serine, which is neutral and polar, with asparagine, which is neutral and polar, at codon 1222 of the TUBGCP6 protein (p.Ser1222Asn).

NM_020461.4(TUBGCP6):c.3665G>A (p.Ser1222Asn)

Gene: TUBGCP6 (tubulin gamma complex component 6; minus strand). Cytogenetic location: 22q13.33.
Variant type: single nucleotide variant.
Coding change: c.3665G>A on transcript NM_020461.4 (MANE Select); coding-DNA position 3665, G replaced by A.
Protein change: p.Ser1222Asn; replaces serine 1222 with asparagine.
Molecular consequence: missense variant.
Genome position (GRCh38, 1-based): chr22:50,220,694, C>T on the plus strand (G>A on the coding strand, the complement: TUBGCP6 is on the minus strand). VCF-style: chr22-50220694-C-T. GRCh37 (hg19) VCF-style: chr22-50659123-C-T.
Other names: short protein forms S1222N.
Identifiers: ClinVar variation 1522535 (VCV001522535.6), dbSNP rs2064503897, ClinGen allele CA412180969.